The following is an entry in ClinVar:

ClinVar aggregate classification (germline): Pathogenic (1 of 4 stars; one submission).

Conditions:
Hereditary cancer-predisposing syndrome. Also called: Tumor predisposition; Hereditary neoplastic syndrome; Hereditary Cancer Syndrome; Neoplastic Syndromes, Hereditary. Identifiers: Orphanet 140162, MedGen C0027672, MeSH D009386, MONDO:0015356.

Submissions (2):

Ambry Genetics
Classification: Pathogenic for Hereditary cancer-predisposing syndrome. Last evaluated: 2019-02-26. Review status: criteria provided, single submitter. Criteria: Ambry Variant Classification Scheme 2023. Collection method: clinical testing. Allele origin: germline.
Comment: The c.687+1_687+2delGT intronic pathogenic mutation, located in intron 5 of the CDH1 gene, results from a deletion of the two nucleotides (GT) after coding exon 5 of the CDH1 gene. This nucleotide region is highly conserved in available vertebrate species. Using the BDGP and ESEfinder splice site prediction tools, this alteration is predicted to abolish the native splice donor site; however, direct evidence is unavailable. Alterations that disrupt the canonical splice site are expected to cause aberrant splicing, resulting in an abnormal protein or a transcript that is subject to nonsense-mediated mRNA decay. As such, this alteration is classified as a disease-causing mutation.

Dr. Peter K. Rogan Lab, Western University
No classification provided (evidence only). Condition: Gastric cancer. Review status: no classification provided. Collection method: in vitro. Allele origin: not applicable. Functional consequence: retained intron. Not counted in ClinVar's aggregate classification.

NM_004360.5(CDH1):c.687+1_687+2del

Gene: CDH1 (cadherin 1; plus strand). Cytogenetic location: 16q22.1.
Variant type: Deletion.
Coding change: c.687+1_687+2del on transcript NM_004360.5 (MANE Select); the canonical splice donor site of the intron after coding-DNA position 687, 2 bases deleted (GT; older notation c.687+1_687+2delGT).
Molecular consequence: splice donor variant.
Genome position (GRCh38, 1-based): chr16:68,808,849-68,808,850, GT deleted; deleting any 2 consecutive bases within chr16:68,808,848-68,808,850 gives the same sequence; the c. name uses the placement nearest the transcript's 3' end. VCF-style (leftmost placement, unchanged base first): chr16-68808847-CTG-C. GRCh37 (hg19) VCF-style: chr16-68842750-CTG-C.
Other names: NC_000016.9:g.68842752_68842753del; c.687+1_687+2del (LRG_301t1, NM_001317184.2); c.-929+1_-929+2del (NM_001317185.2); c.-1133+1_-1133+2del (NM_001317186.2).
Identifiers: ClinVar variation 483268 (VCV000483268.6), dbSNP rs1555515296, ClinGen allele CA645596624.